The following is an entry in ClinVar:

NM_000260.4(MYO7A):c.1797+13C>T

Gene: MYO7A (myosin VIIA; plus strand). Cytogenetic location: 11q13.5.
Variant type: single nucleotide variant.
Coding change: c.1797+13C>T on transcript NM_000260.4 (MANE Select); 13 bases into the intron after coding-DNA position 1797, C replaced by T.
Molecular consequence: intron variant.
Genome position (GRCh38, 1-based): chr11:77,166,175, C>T. VCF-style: chr11-77166175-C-T. GRCh37 (hg19) VCF-style: chr11-76877221-C-T.
Other names: c.1764+13C>T (NM_001369365.1); c.1797+13C>T (NM_001127180.2).
Identifiers: ClinVar variation 881076 (VCV000881076.11), dbSNP rs782461418, ClinGen allele CA6197593.

ClinVar aggregate classification (germline): Conflicting classifications of pathogenicity. Review status: criteria provided, conflicting classifications (1 of 4 stars). 4 submissions from 2 submitters: Uncertain significance (2); Likely benign (2). Last evaluated 2025-07-14.

Conditions:
Autosomal dominant nonsyndromic hearing loss 11. Identifiers: Orphanet 90635, MedGen C1832475, MONDO:0011032, OMIM 601317.
Usher syndrome type 1 (USH1). Also called: RETINITIS PIGMENTOSA AND CONGENITAL DEAFNESS. Identifiers: Orphanet 231169, Orphanet 886, MedGen C1568247, MONDO:0010168, OMIM 276900.
Autosomal recessive nonsyndromic hearing loss 2. Also called: DEAFNESS, AUTOSOMAL RECESSIVE 2; NEUROSENSORY NONSYNDROMIC RECESSIVE DEAFNESS 2. Identifiers: Orphanet 90636, MedGen C1838701, MONDO:0010807, OMIM 600060.

Allele frequency attached by ClinVar (database versions not stated): TOPMed 0.00002; gnomAD 0.00003 and 0.00004; ExAC 0.00010.
gnomAD v4.1: 79 of 1,611,412 alleles (0.0049%); highest among the groups gnomAD compares: Admixed American, 0.037%; no homozygotes.

Submissions (4):

Labcorp Genetics (formerly Invitae), Labcorp
Classification: Likely benign. Last evaluated: 2025-07-14. Review status: criteria provided, single submitter. Criteria: Invitae Variant Classification Sherloc (09022015). Collection method: clinical testing. Allele origin: germline.

Illumina Laboratory Services, Illumina
Classification: Uncertain significance for Usher syndrome type 1. Last evaluated: 2018-01-13. Review status: criteria provided, single submitter. Criteria: ICSL Variant Classification Criteria 13 December 2019. Collection method: clinical testing. Allele origin: germline.

Illumina Laboratory Services, Illumina
Classification: Likely benign for Autosomal dominant nonsyndromic hearing loss 11. Last evaluated: 2018-01-13. Review status: criteria provided, single submitter. Criteria: ICSL Variant Classification Criteria 13 December 2019. Collection method: clinical testing. Allele origin: germline.
Comment: This variant was observed in the ICSL laboratory as part of a predisposition screen in an ostensibly healthy population. It had not been previously curated by ICSL or reported in the Human Gene Mutation Database (HGMD: prior to June 1st, 2018), and was therefore a candidate for classification through an automated scoring system. Utilizing variant allele frequency, disease prevalence and penetrance estimates, and inheritance mode, an automated score was calculated to assess if this variant is too frequent to cause the disease. Based on the score and internal cut-off values, a variant classified as likely benign is not then subjected to further curation. The score for this variant resulted in a classification of likely benign for this disease.

Illumina Laboratory Services, Illumina
Classification: Uncertain significance for Autosomal recessive nonsyndromic hearing loss 2. Last evaluated: 2018-01-13. Review status: criteria provided, single submitter. Criteria: ICSL Variant Classification Criteria 13 December 2019. Collection method: clinical testing. Allele origin: germline.